The following is an entry in ClinVar:

ClinVar aggregate classification (germline): Pathogenic (1 of 4 stars; one submission).

Conditions:
Supravalvar aortic stenosis (SVAS). Also called: Supravalvar aortic stenosis, Eisenberg type. Identifiers: Orphanet 3193, MedGen C0003499, MONDO:0008504, OMIM 185500, HP:0004381.

Submission:

Laboratory for Molecular Medicine, Mass General Brigham Personalized Medicine
Classification: Pathogenic for Supravalvular aortic stenosis. Last evaluated: 2016-07-06. Review status: criteria provided, single submitter. Criteria: LMM Criteria. Collection method: clinical testing. Allele origin: germline. Inheritance: Autosomal dominant inheritance. Observed: 1 variant allele.
Comment: Heterozygous whole gene deletion (ELN). The loss of the ELN gene is a well estab lished cause for the cardiac features (SVAS) of Williams Syndrome, which is caus ed by a contiguous deletion on chromosome 7q11 encompassing several genes. This variant meets our criteria to be classified as pathogenic in an autosomal domina nt manner. A breakpoint analysis has not been performed but would be needed to determine the phenotypic outcome (SVAS or Williams syndrome).

NM_000501.2(ELN):c.(?_-60)_(*57_?)del

Gene: ELN (elastin; plus strand). Cytogenetic location: 7q11.23.
Variant type: Deletion.
Coding change: c.(?_-60)_(*57_?)del on transcript NM_000501.2; a large deletion whose breakpoints are not mapped to the base.
Other names: c.(?_-60)_(*57_?)del (NM_000501.2).
Identifiers: ClinVar variation 505198 (VCV000505198.4).